The following is an entry in ClinVar:

NM_017617.5(NOTCH1):c.5500C>T (p.Leu1834=)

Gene: NOTCH1 (notch receptor 1; minus strand). Cytogenetic location: 9q34.3.
Variant type: single nucleotide variant.
Coding change: c.5500C>T on transcript NM_017617.5 (MANE Select); coding-DNA position 5500, C replaced by T.
Protein change: p.Leu1834=; no amino-acid change (leucine 1834 retained).
Molecular consequence: synonymous variant.
Genome position (GRCh38, 1-based): chr9:136,501,886, G>A on the plus strand (C>T on the coding strand, the complement: NOTCH1 is on the minus strand). VCF-style: chr9-136501886-G-A. GRCh37 (hg19) VCF-style: chr9-139396338-G-A.
Other names: c.5500C>T, p.Leu1834= (LRG_1122t1); c.5500C>T (NM_017617.4).
Identifiers: ClinVar variation 264031 (VCV000264031.23), dbSNP rs73668312, ClinGen allele CA5340221.

ClinVar aggregate classification (germline): Benign/Likely benign. Review status: criteria provided, multiple submitters, no conflicts (2 of 4 stars). 10 submissions from 9 submitters: Benign (4); Likely benign (3). 3 of the submissions do not count toward it. Last evaluated 2026-01-24.

Conditions:
NOTCH1-related disorder. Also called: NOTCH1-related disorders; NOTCH1-related condition.
Familial thoracic aortic aneurysm and aortic dissection (TAAD). Also called: Thoracic aortic aneurysms and dissections. Identifiers: Orphanet 91387, MedGen C4707243, MONDO:0019625.
Aortic valve disease 1 (AOVD1). Identifiers: MedGen C3887892, MONDO:0024523, OMIM 109730.
Adams-Oliver syndrome 5 (AOS5). Identifiers: Orphanet 974, MedGen C4014970, MONDO:0014459, OMIM 616028.

Allele frequency attached by ClinVar (database versions not stated): ExAC 0.00019; 1000 Genomes Project 0.00020; 1000 Genomes Project 30x 0.00031; TOPMed 0.00060; gnomAD 0.00070; ESP Exome Variant Server 0.00072.
gnomAD v4.1: 169 of 1,612,246 alleles (0.01%); highest among the groups gnomAD compares: African/African-American, 0.2%; no homozygotes.

Submissions (10):

Labcorp Genetics (formerly Invitae), Labcorp
Classification: Benign for Adams-Oliver syndrome 5. Last evaluated: 2026-01-24. Review status: criteria provided, single submitter. Criteria: Invitae Variant Classification Sherloc (09022015). Collection method: clinical testing. Allele origin: germline.

Women's Health and Genetics/Laboratory Corporation of America, LabCorp
Classification: Benign. Last evaluated: 2023-08-10. Review status: criteria provided, single submitter. Criteria: LabCorp Variant Classification Summary - May 2015. Collection method: clinical testing. Allele origin: germline.

Genome-Nilou Lab
Classification: Benign for Adams-Oliver syndrome 5. Last evaluated: 2022-03-15. Review status: criteria provided, single submitter. Criteria: ACMG Guidelines, 2015. Collection method: clinical testing. Allele origin: germline. Affected: no.

Genome-Nilou Lab
Classification: Benign for Aortic valve disease 1. Last evaluated: 2022-03-15. Review status: criteria provided, single submitter. Criteria: ACMG Guidelines, 2015. Collection method: clinical testing. Allele origin: germline. Affected: no.

GeneDx
Classification: Likely benign. Last evaluated: 2021-06-14. Review status: criteria provided, single submitter. Criteria: GeneDx Variant Classification Process June 2021. Collection method: clinical testing. Allele origin: germline. Affected: yes.

Ambry Genetics
Classification: Likely benign for Familial thoracic aortic aneurysm and aortic dissection. Last evaluated: 2015-05-21. Review status: criteria provided, single submitter. Criteria: Ambry Variant Classification Scheme 2023. Collection method: clinical testing. Allele origin: germline.

Breakthrough Genomics
Classification: Likely benign. Review status: criteria provided, single submitter. Criteria: ACMG Guidelines, 2015. Collection method: not provided. Allele origin: germline. Inheritance: Autosomal dominant inheritance. Affected: yes.

PreventionGenetics, part of Exact Sciences
Classification: Likely benign for NOTCH1-related condition. Last evaluated: 2019-12-10. Review status: no assertion criteria provided. Collection method: clinical testing. Allele origin: germline. Not counted in ClinVar's aggregate classification.
Comment: This variant is classified as likely benign based on ACMG/AMP sequence variant interpretation guidelines (Richards et al. 2015 PMID: 25741868, with internal and published modifications).

Genome Diagnostics Laboratory, Amsterdam University Medical Center
Classification: Likely benign. Review status: no assertion criteria provided. Collection method: clinical testing. Allele origin: germline. Affected: yes. Study: VKGL Data-share Consensus. Not counted in ClinVar's aggregate classification.

Genome Diagnostics Laboratory, University Medical Center Utrecht
Classification: Likely benign. Review status: no assertion criteria provided. Collection method: clinical testing. Allele origin: germline. Affected: yes. Study: VKGL Data-share Consensus. Not counted in ClinVar's aggregate classification.

Literature cited by the submitters: PubMed 24943832 (cited by Women's Health and Genetics/Laboratory Corporation of America, LabCorp); PubMed 16614245 (cited by Women's Health and Genetics/Laboratory Corporation of America, LabCorp); PubMed 21670202 (cited by Women's Health and Genetics/Laboratory Corporation of America, LabCorp); PubMed 22210878 (cited by Women's Health and Genetics/Laboratory Corporation of America, LabCorp); PubMed 19635999 (cited by Women's Health and Genetics/Laboratory Corporation of America, LabCorp); PubMed 26837699 (cited by Women's Health and Genetics/Laboratory Corporation of America, LabCorp); PubMed 23086750 (cited by Women's Health and Genetics/Laboratory Corporation of America, LabCorp); PubMed 19245433 (cited by Women's Health and Genetics/Laboratory Corporation of America, LabCorp); PubMed 22077063 (cited by Women's Health and Genetics/Laboratory Corporation of America, LabCorp); PubMed 15472075 (cited by Women's Health and Genetics/Laboratory Corporation of America, LabCorp); PubMed 23734977 (cited by Women's Health and Genetics/Laboratory Corporation of America, LabCorp); PubMed 22858860 (cited by Women's Health and Genetics/Laboratory Corporation of America, LabCorp).